The following is an entry in ClinVar:

NM_031885.5(BBS2):c.1175G>A (p.Gly392Glu)

Gene: BBS2 (Bardet-Biedl syndrome 2; minus strand). Cytogenetic location: 16q13.
Variant type: single nucleotide variant.
Coding change: c.1175G>A on transcript NM_031885.5 (MANE Select); coding-DNA position 1175, G replaced by A.
Protein change: p.Gly392Glu; replaces glycine 392 with glutamic acid.
Molecular consequence: missense variant. On other transcripts: non-coding transcript variant (5).
Genome position (GRCh38, 1-based): chr16:56,501,403, C>T on the plus strand (G>A on the coding strand, the complement: BBS2 is on the minus strand). VCF-style: chr16-56501403-C-T. GRCh37 (hg19) VCF-style: chr16-56535315-C-T.
Other names: c.1175G>A, p.Gly392Glu (NM_001377456.1); short protein forms G392E.
Identifiers: ClinVar variation 3384931 (VCV003384931.1).

ClinVar aggregate classification (germline): Uncertain significance (1 of 4 stars; one submission).

Submission:

Women's Health and Genetics/Laboratory Corporation of America, LabCorp
Classification: Uncertain significance. Last evaluated: 2024-10-04. Review status: criteria provided, single submitter. Criteria: LabCorp Variant Classification Summary - May 2015. Collection method: clinical testing. Allele origin: germline.
Comment: Variant summary: BBS2 c.1175G>A (p.Gly392Glu) results in a non-conservative amino acid change located in the Ciliary BBSome complex subunit 2, C-terminal domain (IPR029333) of the encoded protein sequence. Four of five in-silico tools predict a damaging effect of the variant on protein function. The variant allele was found at a frequency of 4e-06 in 251490 control chromosomes (gnomAD). The available data on variant occurrences in the general population are insufficient to allow any conclusion about variant significance. c.1175G>A has been reported in the literature in at least an individual affected with retinitis pigmentosa (example: Bravo-Gil_2017). This report does not provide unequivocal conclusions about association of the variant with Bardet-Biedl Syndrome. To our knowledge, no experimental evidence demonstrating an impact on protein function has been reported. The following publication has been ascertained in the context of this evaluation (PMID: 28157192). No submitters have cited clinical-significance assessments for this variant to ClinVar. Based on the evidence outlined above, the variant was classified as uncertain significance.

Literature cited by the submitters: PubMed 28157192.